The following is an entry in ClinVar:

ClinVar aggregate classification (germline): Uncertain significance. Review status: criteria provided, multiple submitters, no conflicts (2 of 4 stars). 2 submissions from 2 submitters: Uncertain significance (2). Last evaluated 2026-01-06.

Conditions:
Cardiovascular phenotype. Identifiers: MedGen CN230736.

Submissions (2):

Women's Health and Genetics/Laboratory Corporation of America, LabCorp
Classification: Uncertain significance. Last evaluated: 2026-01-06. Review status: criteria provided, single submitter. Criteria: LabCorp Variant Classification Summary - May 2015. Collection method: clinical testing. Allele origin: germline.
Comment: Variant summary: TNXB c.6470G>T (p.Arg2157Leu) results in a non-conservative amino acid change in the encoded protein sequence. Algorithms developed to predict the effect of missense changes on protein structure and function are either unavailable or do not agree on the potential impact of this missense change. The variant allele was found at a frequency of 6.4e-05 in 248832 control chromosomes. This frequency is not significantly higher than estimated for disease-causing variants in TNXB, allowing no conclusion about variant significance. To our knowledge, no occurrence of c.6470G>T in individuals affected with TNXB-related conditions and no experimental evidence demonstrating its impact on protein function have been reported. ClinVar contains an entry for this variant (Variation ID: 2451117). Based on the evidence outlined above, the variant was classified as uncertain significance.

Ambry Genetics
Classification: Uncertain significance for Cardiovascular phenotype. Last evaluated: 2022-11-15. Review status: criteria provided, single submitter. Criteria: Ambry Variant Classification Scheme 2023. Collection method: clinical testing. Allele origin: germline.
Comment: The p.R2157L variant (also known as c.6470G>T), located in coding exon 17 of the TNXB gene, results from a G to T substitution at nucleotide position 6470. The arginine at codon 2157 is replaced by leucine, an amino acid with dissimilar properties. This amino acid position is conserved. In addition, this alteration is predicted to be tolerated by in silico analysis. Since supporting evidence is limited at this time, the clinical significance of this alteration remains unclear.

NM_001365276.2(TNXB):c.6470G>T (p.Arg2157Leu)

Gene: TNXB (tenascin XB; minus strand). Cytogenetic location: 6p21.33.
Variant type: single nucleotide variant.
Coding change: c.6470G>T on transcript NM_001365276.2 (MANE Select); coding-DNA position 6470, G replaced by T.
Protein change: p.Arg2157Leu; replaces arginine 2157 with leucine.
Molecular consequence: missense variant.
Genome position (GRCh38, 1-based): chr6:32,067,735, C>A on the plus strand (G>T on the coding strand, the complement: TNXB is on the minus strand). VCF-style: chr6-32067735-C-A. GRCh37 (hg19) VCF-style: chr6-32035512-C-A.
Other names: c.6470G>T, p.Arg2157Leu (NM_019105.8); short protein forms R2157L.
Identifiers: ClinVar variation 2451117 (VCV002451117.3), dbSNP rs768307848, ClinGen allele CA3734420.